The following is an entry in ClinVar:

NM_000020.3(ACVRL1):c.1042del (p.Asp348fs)

Gene: ACVRL1 (activin A receptor like type 1; plus strand). Cytogenetic location: 12q13.13.
Variant type: Deletion.
Coding change: c.1042del on transcript NM_000020.3 (MANE Select); coding-DNA position 1042, one base deleted (G; older notation c.1042delG).
Protein change: p.Asp348fs; shifts the reading frame from aspartic acid 348.
Molecular consequence: frameshift variant.
Genome position (GRCh38, 1-based): chr12:51,915,494, G deleted. VCF-style (leftmost placement, unchanged base first): chr12-51915493-CG-C. GRCh37 (hg19) VCF-style: chr12-52309277-CG-C.
Other names: c.1042delG (NM_000020.2); c.1042del, p.Asp348fs (NM_001077401.2); short protein forms D348fs.
Identifiers: ClinVar variation 569067 (VCV000569067.8), dbSNP rs1565594536, ClinGen allele CA891843496.

ClinVar aggregate classification (germline): Pathogenic (1 of 4 stars; one submission).

Conditions:
Telangiectasia, hereditary hemorrhagic, type 2 (HHT2). Also called: ACVRL1-Related Hereditary Hemorrhagic Telangiectasia; Telangiectasia, hereditary hemorrhagic, type II. Identifiers: Orphanet 774, MedGen C1838163, MONDO:0010880, OMIM 600376. Disease mechanism: loss of function.

Submission:

Labcorp Genetics (formerly Invitae), Labcorp
Classification: Pathogenic for Telangiectasia, hereditary hemorrhagic, type 2. Last evaluated: 2018-02-13. Review status: criteria provided, single submitter. Criteria: Invitae Variant Classification Sherloc (09022015). Collection method: clinical testing. Allele origin: germline.
Comment: For these reasons, this variant has been classified as Pathogenic. Loss-of-function variants in ACVRL1 are known to be pathogenic (PMID: 15879500). This variant has been reported in several individuals affected with hereditary hemorrhagic telangiectasia (PMID: 15517393, 25970827). This variant is not present in population databases (ExAC no frequency). This sequence change creates a premature translational stop signal (p.Asp348Thrfs*6) in the ACVRL1 gene. It is expected to result in an absent or disrupted protein product.

Literature cited by the submitters: PubMed 15879500; PubMed 15517393; PubMed 25970827.